The following is an entry in ClinVar:

ClinVar aggregate classification (germline): Uncertain significance (1 of 4 stars; one submission).

Conditions:
Ectodermal dysplasia and immunodeficiency 2. Identifiers: Orphanet 238468, Orphanet 98813, MedGen C2677481, MONDO:0012806, OMIM 612132.

Allele frequency attached by ClinVar (database versions not stated): gnomAD 0.00001; gnomAD exomes 0.00002; ExAC 0.00003.
gnomAD v4.1: 28 of 1,566,418 alleles (0.0018%); highest among the groups gnomAD compares: Non-Finnish European, 0.0023%; no homozygotes.

Submission:

Labcorp Genetics (formerly Invitae), Labcorp
Classification: Uncertain significance for Ectodermal dysplasia and immunodeficiency 2. Last evaluated: 2022-10-12. Review status: criteria provided, single submitter. Criteria: Invitae Variant Classification Sherloc (09022015). Collection method: clinical testing. Allele origin: germline.
Comment: The frequency data for this variant in the population databases is considered unreliable, as metrics indicate poor data quality at this position in the gnomAD database. This sequence change replaces glycine, which is neutral and non-polar, with aspartic acid, which is acidic and polar, at codon 15 of the NFKBIA protein (p.Gly15Asp). This variant has not been reported in the literature in individuals affected with NFKBIA-related conditions. In summary, the available evidence is currently insufficient to determine the role of this variant in disease. Therefore, it has been classified as a Variant of Uncertain Significance. Algorithms developed to predict the effect of missense changes on protein structure and function (SIFT, PolyPhen-2, Align-GVGD) all suggest that this variant is likely to be tolerated.

NM_020529.3(NFKBIA):c.44G>A (p.Gly15Asp)

Genes: NFKBIA (NFKB inhibitor alpha; minus strand), LOC130055497 (ATAC-STARR-seq lymphoblastoid silent region 5676; plus strand). Cytogenetic location: 14q13.2.
Variant type: single nucleotide variant.
Coding change: c.44G>A on transcript NM_020529.3 (MANE Select); coding-DNA position 44, G replaced by A.
Protein change: p.Gly15Asp; replaces glycine 15 with aspartic acid.
Molecular consequence: missense variant.
Genome position (GRCh38, 1-based): chr14:35,404,601, C>T on the plus strand (G>A on the coding strand, the complement: NFKBIA is on the minus strand). VCF-style: chr14-35404601-C-T. GRCh37 (hg19) VCF-style: chr14-35873807-C-T.
Other names: short protein forms G15D.
Identifiers: ClinVar variation 2182642 (VCV002182642.4), dbSNP rs768610997, ClinGen allele CA7155604.